The following is an entry in ClinVar:

NM_032776.3(JMJD1C):c.4462G>A (p.Ala1488Thr)

Gene: JMJD1C (jumonji domain containing 1C; minus strand). Cytogenetic location: 10q21.3.
Variant type: single nucleotide variant.
Coding change: c.4462G>A on transcript NM_032776.3 (MANE Select); coding-DNA position 4462, G replaced by A.
Protein change: p.Ala1488Thr; replaces alanine 1488 with threonine.
Molecular consequence: missense variant. On other transcripts: non-coding transcript variant (1).
Genome position (GRCh38, 1-based): chr10:63,207,207, C>T on the plus strand (G>A on the coding strand, the complement: JMJD1C is on the minus strand). VCF-style: chr10-63207207-C-T. GRCh37 (hg19) VCF-style: chr10-64966967-C-T.
Other names: c.3916G>A, p.Ala1306Thr (NM_001282948.2, NM_001318154.2); c.3598G>A, p.Ala1200Thr (NM_001318153.2); c.4348G>A, p.Ala1450Thr (NM_001322252.2); c.3805G>A, p.Ala1269Thr (NM_001322254.2, NM_001322258.2); short protein forms A1488T, A1200T, A1269T, A1450T, A1306T.
Identifiers: ClinVar variation 2832612 (VCV002832612.3), dbSNP rs2492671130, ClinGen allele CA377037370.

ClinVar aggregate classification (germline): Uncertain significance (1 of 4 stars; one submission).

Conditions:
Early Myoclonic Encephalopathy. Identifiers: MedGen C0270855.

Allele frequency attached by ClinVar (database versions not stated): gnomAD exomes below 0.00001.
gnomAD v4.1: 1 of 1,614,178 alleles (0.000062%); highest among the groups gnomAD compares: African/African-American, 0.0013%; no homozygotes.

Submission:

Labcorp Genetics (formerly Invitae), Labcorp
Classification: Uncertain significance for Early Myoclonic Encephalopathy. Last evaluated: 2023-12-22. Review status: criteria provided, single submitter. Criteria: Invitae Variant Classification Sherloc (09022015). Collection method: clinical testing. Allele origin: germline.
Comment: This sequence change replaces alanine, which is neutral and non-polar, with threonine, which is neutral and polar, at codon 1488 of the JMJD1C protein (p.Ala1488Thr). This variant is not present in population databases (gnomAD no frequency). This variant has not been reported in the literature in individuals affected with JMJD1C-related conditions. Advanced modeling of protein sequence and biophysical properties (such as structural, functional, and spatial information, amino acid conservation, physicochemical variation, residue mobility, and thermodynamic stability) performed at Invitae indicates that this missense variant is not expected to disrupt JMJD1C protein function with a negative predictive value of 80%. In summary, the available evidence is currently insufficient to determine the role of this variant in disease. Therefore, it has been classified as a Variant of Uncertain Significance.